The following is an entry in ClinVar:

NM_002905.5(RDH5):c.423C>T (p.Ile141=)

Genes: BLOC1S1-RDH5 (BLOC1S1-RDH5 readthrough; plus strand), RDH5 (retinol dehydrogenase 5; plus strand). Cytogenetic location: 12q13.2.
Variant type: single nucleotide variant.
Coding change: c.423C>T on transcript NM_002905.5 (MANE Select); coding-DNA position 423, C replaced by T.
Protein change: p.Ile141=; no amino-acid change (isoleucine 141 retained).
Molecular consequence: synonymous variant. On other transcripts: non-coding transcript variant (1).
Genome position (GRCh38, 1-based): chr12:55,721,801, C>T. VCF-style: chr12-55721801-C-T. GRCh37 (hg19) VCF-style: chr12-56115585-C-T.
Other names: c.423C>T, p.Ile141= (NM_001199771.3).
Identifiers: ClinVar variation 258857 (VCV000258857.19), dbSNP rs3138142, ClinGen allele CA6616840.

ClinVar aggregate classification (germline): Benign. Review status: criteria provided, multiple submitters, no conflicts (2 of 4 stars). 6 submissions from 6 submitters: Benign (6). Last evaluated 2026-02-03.

Conditions:
Pigmentary retinal dystrophy. Also called: Fundus albipunctatus. Identifiers: Orphanet 227796, Orphanet 52427, MedGen C0311338, MONDO:0007639, OMIM 136880, HP:0030642.

Allele frequency attached by ClinVar (database versions not stated): 1000 Genomes Project 30x 0.14288; TOPMed 0.15240; gnomAD 0.15275 and 0.15814; 1000 Genomes Project 0.15276; ESP Exome Variant Server 0.15739; gnomAD exomes 0.19052; ExAC 0.19522.
gnomAD v4.1: 349,972 of 1,613,824 alleles (22%); highest among the groups gnomAD compares: South Asian, 33%; 41,059 homozygotes.

Submissions (6):

Labcorp Genetics (formerly Invitae), Labcorp
Classification: Benign. Last evaluated: 2026-02-03. Review status: criteria provided, single submitter. Criteria: Invitae Variant Classification Sherloc (09022015). Collection method: clinical testing. Allele origin: germline.

Genome-Nilou Lab
Classification: Benign for Pigmentary retinal dystrophy. Last evaluated: 2021-11-07. Review status: criteria provided, single submitter. Criteria: ACMG Guidelines, 2015. Collection method: clinical testing. Allele origin: germline. Affected: no.

Illumina Laboratory Services, Illumina
Classification: Benign for Pigmentary retinal dystrophy. Last evaluated: 2018-01-13. Review status: criteria provided, single submitter. Criteria: ICSL Variant Classification Criteria 13 December 2019. Collection method: clinical testing. Allele origin: germline.
Comment: This variant was observed in the ICSL laboratory as part of a predisposition screen in an ostensibly healthy population. It had not been previously curated by ICSL or reported in the Human Gene Mutation Database (HGMD: prior to June 1st, 2018), and was therefore a candidate for classification through an automated scoring system. Utilizing variant allele frequency, disease prevalence and penetrance estimates, and inheritance mode, an automated score was calculated to assess if this variant is too frequent to cause the disease. Based on the score and internal cut-off values, a variant classified as benign is not then subjected to further curation. The score for this variant resulted in a classification of benign for this disease.

GeneDx
Classification: Benign. Last evaluated: 2015-03-03. Review status: criteria provided, single submitter. Criteria: GeneDx Variant Classification Process June 2021. Collection method: clinical testing. Allele origin: germline. Affected: yes.
Comment: This variant is associated with the following publications: (PMID: 30747064)

Breakthrough Genomics
Classification: Benign. Review status: criteria provided, single submitter. Criteria: ACMG Guidelines, 2015. Collection method: not provided. Allele origin: germline. Inheritance: Autosomal dominant inheritance. Affected: yes.

PreventionGenetics, part of Exact Sciences
Classification: Benign. Review status: criteria provided, single submitter. Criteria: ACMG Guidelines, 2015. Collection method: clinical testing. Allele origin: germline.